The following is an entry in ClinVar:

ClinVar aggregate classification (germline): Uncertain significance (1 of 4 stars; one submission).

Conditions:
Cardiomyopathy (CMYO). Also called: Cardiomyopathies. Identifiers: Orphanet 167848, MedGen C0878544, MONDO:0004994, HP:0001638. Inheritance: Various modes of inheritance.

Submission:

Color Diagnostics, LLC DBA Color Health
Classification: Uncertain significance for Cardiomyopathy. Last evaluated: 2024-03-06. Review status: criteria provided, single submitter. Criteria: ACMG Guidelines, 2015. Collection method: clinical testing. Allele origin: germline.
Comment: This missense variant replaces glutamic acid with lysine at codon 176 of the TMEM43 protein. Computational prediction suggests that this variant may not impact protein structure and function (internally defined REVEL score threshold <= 0.5, PMID: 27666373). To our knowledge, functional studies have not been reported for this variant. This variant has not been reported in individuals affected with cardiovascular disorders in the literature. This variant has not been identified in the general population by the Genome Aggregation Database (gnomAD). The available evidence is insufficient to determine the role of this variant in disease conclusively. Therefore, this variant is classified as a Variant of Uncertain Significance.

NM_024334.3(TMEM43):c.526G>A (p.Glu176Lys)

Gene: TMEM43 (transmembrane protein 43; plus strand). Cytogenetic location: 3p25.1.
Variant type: single nucleotide variant.
Coding change: c.526G>A on transcript NM_024334.3 (MANE Select); coding-DNA position 526, G replaced by A.
Protein change: p.Glu176Lys; replaces glutamic acid 176 with lysine.
Molecular consequence: missense variant.
Genome position (GRCh38, 1-based): chr3:14,133,752, G>A. VCF-style: chr3-14133752-G-A. GRCh37 (hg19) VCF-style: chr3-14175252-G-A.
Other names: c.529G>A, p.Glu177Lys (NM_001407274.1); c.526G>A, p.Glu176Lys (NM_001407275.1, NM_001407276.1, NM_001407277.1 and 1 more transcripts); c.511G>A, p.Glu171Lys (NM_001407278.1); c.376G>A, p.Glu126Lys (NM_001407280.1); short protein forms E176K, E126K, E177K, E171K.
Identifiers: ClinVar variation 2774596 (VCV002774596.2), dbSNP rs1473308381, ClinGen allele CA351535293.
Genomic context (GRCh38, chr3:14,133,752, plus strand): 5'-AGCTCCCACACCGGTGCCCATCTCTGACAGCTTCCTCTCTCCCACAGTGCCATGGCAGTG[G>A]AGTCATTCATGGCAACAGCCCCCTTTGTCCAAATTGGCAGGTTTTTCCTCTCGTCAGGTA-3'
Protein context (NP_077310.1, residues 166-186): GHKNPSAMAV[Glu176Lys]SFMATAPFVQ